The following is an entry in ClinVar:

ClinVar aggregate classification (germline): Conflicting classifications of pathogenicity. Review status: criteria provided, conflicting classifications (1 of 4 stars). 3 submissions from 3 submitters: Uncertain significance (2); Likely benign (1). Last evaluated 2025-11-18.

Conditions:
Primary dilated cardiomyopathy (DCM). Also called: Dilated Cardiomyopathy. Identifiers: Orphanet 217604, MedGen C0007193, MeSH D002311, MONDO:0005021, HP:0001644. Inheritance: Various modes of inheritance.
Hypertrophic cardiomyopathy. Also called: HYPERTROPHIC MYOCARDIOPATHY. Identifiers: Orphanet 217569, MedGen C0007194, MeSH D002312, MONDO:0005045, HP:0001639.

Allele frequency attached by ClinVar (database versions not stated): gnomAD 0.00001; gnomAD exomes 0.00001; TOPMed 0.00001; ExAC 0.00002.
gnomAD v4.1: 19 of 1,613,578 alleles (0.0012%); highest among the groups gnomAD compares: South Asian, 0.0044%; no homozygotes.

Submissions (3):

Ambry Genetics
Classification: Uncertain significance. Last evaluated: 2025-11-18. Review status: criteria provided, single submitter. Criteria: Ambry Variant Classification Scheme 2023. Collection method: clinical testing. Allele origin: germline.
Comment: The p.D262N variant (also known as c.784G>A), located in coding exon 6 of the PDLIM3 gene, results from a G to A substitution at nucleotide position 784. The aspartic acid at codon 262 is replaced by asparagine, an amino acid with highly similar properties. This amino acid position is conserved. In addition, this alteration is predicted to be tolerated by in silico analysis. Since supporting evidence is limited at this time, the clinical significance of this alteration remains unclear.

Labcorp Genetics (formerly Invitae), Labcorp
Classification: Uncertain significance for Hypertrophic cardiomyopathy; Primary dilated cardiomyopathy. Last evaluated: 2023-08-04. Review status: criteria provided, single submitter. Criteria: Invitae Variant Classification Sherloc (09022015). Collection method: clinical testing. Allele origin: germline.
Comment: In summary, the available evidence is currently insufficient to determine the role of this variant in disease. Therefore, it has been classified as a Variant of Uncertain Significance. Advanced modeling of protein sequence and biophysical properties (such as structural, functional, and spatial information, amino acid conservation, physicochemical variation, residue mobility, and thermodynamic stability) performed at Invitae indicates that this missense variant is not expected to disrupt PDLIM3 protein function. This variant has not been reported in the literature in individuals affected with PDLIM3-related conditions. This variant is present in population databases (rs750021846, gnomAD 0.01%). This sequence change replaces aspartic acid, which is acidic and polar, with asparagine, which is neutral and polar, at codon 262 of the PDLIM3 protein (p.Asp262Asn).

CeGaT Center for Human Genetics Tuebingen
Classification: Likely benign. Last evaluated: 2022-10-01. Review status: criteria provided, single submitter. Criteria: CeGaT Center For Human Genetics Tuebingen Variant Classification Criteria Version 2. Collection method: clinical testing. Allele origin: germline. Affected: yes. Observed: 1 variant allele.
Comment: PDLIM3: BP4

NM_014476.6(PDLIM3):c.784G>A (p.Asp262Asn)

Gene: PDLIM3 (PDZ and LIM domain 3; minus strand). Cytogenetic location: 4q35.1.
Variant type: single nucleotide variant.
Coding change: c.784G>A on transcript NM_014476.6 (MANE Select); coding-DNA position 784, G replaced by A.
Protein change: p.Asp262Asn; replaces aspartic acid 262 with asparagine.
Molecular consequence: missense variant. On other transcripts: non-coding transcript variant (1).
Genome position (GRCh38, 1-based): chr4:185,506,531, C>T on the plus strand (G>A on the coding strand, the complement: PDLIM3 is on the minus strand). VCF-style: chr4-185506531-C-T. GRCh37 (hg19) VCF-style: chr4-186427685-C-T.
Other names: c.640G>A, p.Asp214Asn (NM_001114107.5); c.520G>A, p.Asp174Asn (NM_001257962.2); c.283G>A, p.Asp95Asn (NM_001257963.2); short protein forms D214N, D262N, D174N, D95N.
Identifiers: ClinVar variation 2624916 (VCV002624916.29), dbSNP rs750021846, ClinGen allele CA3159702.
Genomic context (GRCh38, chr4:185,506,531, plus strand): 5'-CCTGCAGTGGCCTCTATCAATACGTTTCAGCAGGTGTCAGCGGCTGCTCACCAGAGCCAT[C>T]GTCCACCATTCCCTGGAGCACTCTGAAGGAGCCCGACTGGCGAGGCTGTGTGGGCTCATT-3'
Protein context (NP_055291.2, residues 252-272): SFRVLQGMVD[Asp262Asn]GSDDRPAGTR